The following is an entry in ClinVar:

NM_181703.4(GJA5):c.1006G>A (p.Gly336Ser)

Gene: GJA5 (gap junction protein alpha 5; minus strand). Cytogenetic location: 1q21.2.
Variant type: single nucleotide variant.
Coding change: c.1006G>A on transcript NM_181703.4 (MANE Select); coding-DNA position 1006, G replaced by A.
Protein change: p.Gly336Ser; replaces glycine 336 with serine.
Molecular consequence: missense variant.
Genome position (GRCh38, 1-based): chr1:147,758,233, C>T on the plus strand (G>A on the coding strand, the complement: GJA5 is on the minus strand). VCF-style: chr1-147758233-C-T. GRCh37 (hg19) VCF-style: chr1-147230341-C-T.
Other names: c.1006G>A, p.Gly336Ser (NM_005266.7); short protein forms G336S.
Identifiers: ClinVar variation 838990 (VCV000838990.8), dbSNP rs782650035, ClinGen allele CA30068306.
Genomic context (GRCh38, chr1:147,758,233, plus strand): 5'-GGTCATCTGACCTTGCCTTGCTGCTGGCCTTACTAAGACGTCGCTTGTCACTATGATAGC[C>T]ATGGGGAAGGCGGTGACCTGGTGAGACTCCATTGGGCACCTCAGGCTTCTGGCCATAACG-3'
Protein context (NP_859054.1, residues 326-346): GVSPGHRLPH[Gly336Ser]YHSDKRRLSK

ClinVar aggregate classification (germline): Uncertain significance (1 of 4 stars; one submission).

Conditions:
Atrial standstill 1 (ATRST1). Also called: Atrial standstill, digenic (GJA5/SCN5A); ATRIAL CARDIOMYOPATHY WITH HEART BLOCK; CARDIOMYOPATHY, FAMILIAL, WITH CONDUCTION DISTURBANCE. Identifiers: Orphanet 1344, MedGen C4551959, MONDO:0007171, OMIM 108770.
Atrial fibrillation, familial, 11 (ATFB11). Identifiers: MedGen C3279693, MONDO:0013544, OMIM 614049.

Allele frequency attached by ClinVar (database versions not stated): TOPMed below 0.00001; gnomAD 0.00001; gnomAD exomes 0.00002.
gnomAD v4.1: 33 of 1,614,020 alleles (0.002%); highest among the groups gnomAD compares: Non-Finnish European, 0.0027%; no homozygotes.

Submission:

Labcorp Genetics (formerly Invitae), Labcorp
Classification: Uncertain significance for Atrial fibrillation, familial, 11; Atrial standstill 1. Last evaluated: 2024-01-24. Review status: criteria provided, single submitter. Criteria: Invitae Variant Classification Sherloc (09022015). Collection method: clinical testing. Allele origin: germline.
Comment: This sequence change replaces glycine, which is neutral and non-polar, with serine, which is neutral and polar, at codon 336 of the GJA5 protein (p.Gly336Ser). This variant is not present in population databases (gnomAD no frequency). This variant has not been reported in the literature in individuals affected with GJA5-related conditions. ClinVar contains an entry for this variant (Variation ID: 838990). Algorithms developed to predict the effect of missense changes on protein structure and function output the following: SIFT: "Not Available"; PolyPhen-2: "Benign"; Align-GVGD: "Not Available". The serine amino acid residue is found in multiple mammalian species, which suggests that this missense change does not adversely affect protein function. In summary, the available evidence is currently insufficient to determine the role of this variant in disease. Therefore, it has been classified as a Variant of Uncertain Significance.